The following is an entry in ClinVar:

NM_000070.3(CAPN3):c.1782+306G>T

Gene: CAPN3 (calpain 3; plus strand). Cytogenetic location: 15q15.1.
Variant type: single nucleotide variant.
Coding change: c.1782+306G>T on transcript NM_000070.3 (MANE Select); 306 bases into the intron after coding-DNA position 1782, G replaced by T.
Molecular consequence: intron variant.
Genome position (GRCh38, 1-based): chr15:42,404,083, G>T. VCF-style: chr15-42404083-G-T. GRCh37 (hg19) VCF-style: chr15-42696281-G-T.
Other names: c.1782+306G>T (NM_024344.2); c.1638+306G>T (NM_173087.2); c.246+306G>T (NM_173088.2).
Identifiers: ClinVar variation 673921 (VCV000673921.1), dbSNP rs138407929, ClinGen allele CA7511509.
Genomic context (GRCh38, chr15:42,404,083, plus strand): 5'-GAAGCAATTTGAACAATCGGAGGGAACAAGGCCACAGGAAGGGATGACAAGAGCCGCAGC[G>T]AACACTGGATTCTGAGACTGGATAACATTGGATTTCACACATAGAGAAAAGAAAGTAAGC-3'

ClinVar aggregate classification (germline): Likely benign (1 of 4 stars; one submission).

Allele frequency attached by ClinVar (database versions not stated): 1000 Genomes Project 0.00359; TOPMed 0.00554; 1000 Genomes Project 30x 0.00344.
gnomAD v4.1: 934 of 529,654 alleles (0.18%); highest among the groups gnomAD compares: African/African-American, 1.6%; 7 homozygotes.

Submission:

GeneDx
Classification: Likely benign. Last evaluated: 2018-06-18. Review status: criteria provided, single submitter. Criteria: GeneDx Variant Classification (06012015). Collection method: clinical testing. Allele origin: germline. Affected: yes.
Comment: This variant is considered likely benign or benign based on one or more of the following criteria: it is a conservative change, it occurs at a poorly conserved position in the protein, it is predicted to be benign by multiple in silico algorithms, and/or has population frequency not consistent with disease.